The following is an entry in ClinVar:

NM_001378454.1(ALMS1):c.3835C>T (p.Pro1279Ser)

Gene: ALMS1 (ALMS1 centrosome and basal body associated protein; plus strand). Cytogenetic location: 2p13.1.
Variant type: single nucleotide variant.
Coding change: c.3835C>T on transcript NM_001378454.1 (MANE Select); coding-DNA position 3835, C replaced by T.
Protein change: p.Pro1279Ser; replaces proline 1279 with serine.
Molecular consequence: missense variant.
Genome position (GRCh38, 1-based): chr2:73,450,362, C>T. VCF-style: chr2-73450362-C-T. GRCh37 (hg19) VCF-style: chr2-73677489-C-T.
Other names: c.3838C>T, p.Pro1280Ser (NM_015120.4); short protein forms P1279S, P1280S.
Identifiers: ClinVar variation 1355414 (VCV001355414.4), dbSNP rs1422410913, ClinGen allele CA347276877.

ClinVar aggregate classification (germline): Uncertain significance. Review status: criteria provided, multiple submitters, no conflicts (2 of 4 stars). 2 submissions from 2 submitters: Uncertain significance (2). Last evaluated 2022-09-01.

Conditions:
Alstrom syndrome (ALMS). Identifiers: Orphanet 64, MedGen C0268425, MONDO:0008763, OMIM 203800.

Allele frequency attached by ClinVar (database versions not stated): gnomAD exomes below 0.00001; gnomAD 0.00001.
gnomAD v4.1: 2 of 1,612,880 alleles (0.00012%); highest among the groups gnomAD compares: Non-Finnish European, 0.00017%; no homozygotes.

Submissions (2):

Labcorp Genetics (formerly Invitae), Labcorp
Classification: Uncertain significance for Alstrom syndrome. Last evaluated: 2022-09-01. Review status: criteria provided, single submitter. Criteria: Invitae Variant Classification Sherloc (09022015). Collection method: clinical testing. Allele origin: germline.
Comment: This sequence change replaces proline, which is neutral and non-polar, with serine, which is neutral and polar, at codon 1280 of the ALMS1 protein (p.Pro1280Ser). The frequency data for this variant in the population databases is considered unreliable, as metrics indicate poor data quality at this position in the gnomAD database. This variant has not been reported in the literature in individuals affected with ALMS1-related conditions. ClinVar contains an entry for this variant (Variation ID: 1355414). Experimental studies and prediction algorithms are not available or were not evaluated, and the functional significance of this variant is currently unknown. In summary, the available evidence is currently insufficient to determine the role of this variant in disease. Therefore, it has been classified as a Variant of Uncertain Significance.

Blueprint Genetics
Classification: Uncertain significance. Last evaluated: 2021-11-02. Review status: criteria provided, single submitter. Criteria: ACMG Guidelines, 2015. Collection method: clinical testing. Allele origin: germline.